The following is an entry in ClinVar:

NM_002070.4(GNAI2):c.614A>C (p.Gln205Pro)

Gene: GNAI2 (G protein subunit alpha i2; plus strand). Cytogenetic location: 3p21.31.
Variant type: single nucleotide variant.
Coding change: c.614A>C on transcript NM_002070.4 (MANE Select); coding-DNA position 614, A replaced by C.
Protein change: p.Gln205Pro; replaces glutamine 205 with proline.
Molecular consequence: missense variant.
Genome position (GRCh38, 1-based): chr3:50,256,743, A>C. VCF-style: chr3-50256743-A-C. GRCh37 (hg19) VCF-style: chr3-50294175-A-C.
Other names: c.503A>C, p.Gln168Pro (NM_001166425.2); c.458A>C, p.Gln153Pro (NM_001282617.2); c.371A>C, p.Gln124Pro (NM_001282618.2); c.566A>C, p.Gln189Pro (NM_001282619.2, NM_001282620.2); short protein forms Q124P, Q153P, Q168P, Q189P, Q205P.
Identifiers: ClinVar variation 4882198 (VCV004882198.2).

ClinVar aggregate classification (germline): Uncertain significance (1 of 4 stars; one submission).

Submission:

Dasa
Classification: Uncertain significance. Last evaluated: 2024-10-30. Review status: criteria provided, single submitter. Criteria: DASA Assertion Criteria. Collection method: clinical testing. Allele origin: germline.
Comment: NM_002070.4(GNAI2):c.614A>C (p.Gln205Pro) is a missense variant that results in the substitution of glutamine with proline. Published studies describe this variant in association with related phenotype (PMID: 39298586). Also, this variant is absent from population databases. Computational prediction algorithms are consistent with a deleterious effect. The currently available literature and clinical evidence are not sufficient to establish a definitive association between this variant and the reported condition. Therefore, this variant is classified as a variant of uncertain significance.

Literature cited by the submitters: PubMed 39298586.